The following is an entry in ClinVar:

NM_001366385.1(CARD14):c.1775G>A (p.Gly592Asp)

Gene: CARD14 (caspase recruitment domain family member 14; plus strand). Cytogenetic location: 17q25.3.
Variant type: single nucleotide variant.
Coding change: c.1775G>A on transcript NM_001366385.1 (MANE Select); coding-DNA position 1775, G replaced by A.
Protein change: p.Gly592Asp; replaces glycine 592 with aspartic acid.
Molecular consequence: missense variant. On other transcripts: non-coding transcript variant (1).
Genome position (GRCh38, 1-based): chr17:80,198,515, G>A. VCF-style: chr17-80198515-G-A. GRCh37 (hg19) VCF-style: chr17-78172314-G-A.
Other names: c.1775G>A, p.Gly592Asp (NM_001257970.1, NM_024110.4); c.1064G>A, p.Gly355Asp (NM_052819.3); short protein forms G592D, G355D.
Identifiers: ClinVar variation 2947666 (VCV002947666.3), dbSNP rs2510682090, ClinGen allele CA401351246.
Genomic context (GRCh38, chr17:80,198,515, plus strand): 5'-TGGCGTTCCAGGGGGATGCATTGCTGGAGCAGATCAGCGTCATCGGCGGGAACCTCACGG[G>A]CATCTTCATCCACCGGGTCACCCCGGGCTCGGCGGCGGACCAGATGGCCTTGCGCCCGGG-3'
Protein context (NP_001353314.1, residues 582-602): QISVIGGNLT[Gly592Asp]IFIHRVTPGS

ClinVar aggregate classification (germline): Uncertain significance (1 of 4 stars; one submission).

Conditions:
Pityriasis rubra pilaris (PRP). Also called: Pityriasis rubra pilaris--familial type. Identifiers: Orphanet 2897, MedGen C0032027, MONDO:0100017, OMIM 173200, MONDO:0008251.
Psoriasis 2. Identifiers: MedGen C1864497, MONDO:0011269, OMIM 602723.

Submission:

Labcorp Genetics (formerly Invitae), Labcorp
Classification: Uncertain significance for Pityriasis rubra pilaris; Psoriasis 2. Last evaluated: 2023-05-12. Review status: criteria provided, single submitter. Criteria: Invitae Variant Classification Sherloc (09022015). Collection method: clinical testing. Allele origin: germline.
Comment: In summary, the available evidence is currently insufficient to determine the role of this variant in disease. Therefore, it has been classified as a Variant of Uncertain Significance. Advanced modeling of protein sequence and biophysical properties (such as structural, functional, and spatial information, amino acid conservation, physicochemical variation, residue mobility, and thermodynamic stability) performed at Invitae indicates that this missense variant is expected to disrupt CARD14 protein function. This variant has not been reported in the literature in individuals affected with CARD14-related conditions. This variant is not present in population databases (gnomAD no frequency). This sequence change replaces glycine, which is neutral and non-polar, with aspartic acid, which is acidic and polar, at codon 592 of the CARD14 protein (p.Gly592Asp).